The following is an entry in ClinVar:

ClinVar aggregate classification (germline): Uncertain significance (1 of 4 stars; one submission).

Submission:

Labcorp Genetics (formerly Invitae), Labcorp
Classification: Uncertain significance. Last evaluated: 2025-04-28. Review status: criteria provided, single submitter. Criteria: Invitae Variant Classification Sherloc (09022015). Collection method: clinical testing. Allele origin: germline.
Comment: This sequence change replaces valine, which is neutral and non-polar, with leucine, which is neutral and non-polar, at codon 201 of the FZD4 protein (p.Val201Leu). This variant is not present in population databases (gnomAD no frequency). This variant has not been reported in the literature in individuals affected with FZD4-related conditions. Invitae Evidence Modeling of protein sequence and biophysical properties (such as structural, functional, and spatial information, amino acid conservation, physicochemical variation, residue mobility, and thermodynamic stability) indicates that this missense variant is not expected to disrupt FZD4 protein function with a negative predictive value of 80%. In summary, the available evidence is currently insufficient to determine the role of this variant in disease. Therefore, it has been classified as a Variant of Uncertain Significance.

NM_012193.4(FZD4):c.601G>T (p.Val201Leu)

Genes: FZD4 (frizzled class receptor 4; minus strand), PRSS23 (serine protease 23; plus strand). Cytogenetic location: 11q14.2.
Variant type: single nucleotide variant.
Coding change: c.601G>T on transcript NM_012193.4 (MANE Select); coding-DNA position 601, G replaced by T.
Protein change: p.Val201Leu; replaces valine 201 with leucine.
Molecular consequence: missense variant. On other transcripts: non-coding transcript variant (2).
Genome position (GRCh38, 1-based): chr11:86,952,155, C>A on the plus strand (G>T on the coding strand, the complement: FZD4 is on the minus strand). VCF-style: chr11-86952155-C-A. GRCh37 (hg19) VCF-style: chr11-86663197-C-A.
Other names: short protein forms V201L.
Identifiers: ClinVar variation 4718623 (VCV004718623.1).